The following is an entry in ClinVar:

NM_005228.5(EGFR):c.727C>T (p.Pro243Ser)

Gene: EGFR (epidermal growth factor receptor; plus strand). Cytogenetic location: 7p11.2.
Variant type: single nucleotide variant.
Coding change: c.727C>T on transcript NM_005228.5 (MANE Select); coding-DNA position 727, C replaced by T.
Protein change: p.Pro243Ser; replaces proline 243 with serine.
Molecular consequence: missense variant. On other transcripts: intron variant (1).
Genome position (GRCh38, 1-based): chr7:55,152,644, C>T. VCF-style: chr7-55152644-C-T. GRCh37 (hg19) VCF-style: chr7-55220337-C-T.
Other names: c.592C>T, p.Pro198Ser (NM_001346897.2, NM_001346899.2); c.727C>T, p.Pro243Ser (NM_001346898.2, NM_201282.2, NM_201283.2 and 1 more transcripts); c.568C>T, p.Pro190Ser (NM_001346900.2); c.89-3186C>T (NM_001346941.2); short protein forms P243S, P198S, P190S.
Identifiers: ClinVar variation 4247333 (VCV004247333.1).
Genomic context (GRCh38, chr7:55,152,644, plus strand): 5'-TGCCGTGGCAAGTCCCCCAGTGACTGCTGCCACAACCAGTGTGCTGCAGGCTGCACAGGC[C>T]CCCGGGAGAGCGACTGCCTGGTAAGATGCCCCTCCAGCAGCCTCCCTGGAGCAGGCTGGG-3'
Protein context (NP_005219.2, residues 233-253): HNQCAAGCTG[Pro243Ser]RESDCLVCRK

ClinVar aggregate classification (germline): Uncertain significance (1 of 4 stars; one submission).

Conditions:
Hereditary cancer-predisposing syndrome. Also called: Hereditary Cancer Syndrome; Hereditary neoplastic syndrome; Neoplastic Syndromes, Hereditary; Tumor predisposition. Identifiers: Orphanet 140162, MedGen C0027672, MeSH D009386, MONDO:0015356.

Submission:

Ambry Genetics
Classification: Uncertain significance for Hereditary cancer-predisposing syndrome. Last evaluated: 2025-08-02. Review status: criteria provided, single submitter. Criteria: Ambry Variant Classification Scheme 2023. Collection method: clinical testing. Allele origin: germline.
Comment: The p.P243S variant (also known as c.727C>T), located in coding exon 6 of the EGFR gene, results from a C to T substitution at nucleotide position 727. The proline at codon 243 is replaced by serine, an amino acid with similar properties. This amino acid position is conserved. In addition, the in silico prediction for this alteration is inconclusive. Based on the available evidence, the clinical significance of this variant remains unclear.